The following is an entry in ClinVar:

NM_001267550.2(TTN):c.83543T>C (p.Ile27848Thr)

Genes: TTN-AS1 (TTN antisense RNA 1; plus strand), TTN (titin; minus strand). Cytogenetic location: 2q31.2.
Variant type: single nucleotide variant.
Coding change: c.83543T>C on transcript NM_001267550.2 (MANE Select); coding-DNA position 83543, T replaced by C.
Protein change: p.Ile27848Thr; replaces isoleucine 27848 with threonine.
Molecular consequence: missense variant.
Genome position (GRCh38, 1-based): chr2:178,562,589, A>G on the plus strand (T>C on the coding strand, the complement: TTN is on the minus strand). VCF-style: chr2-178562589-A-G. GRCh37 (hg19) VCF-style: chr2-179427316-A-G.
Other names: c.75839T>C, p.Ile25280Thr (NM_133378.4); c.78620T>C, p.Ile26207Thr (NM_001256850.1); c.56348T>C, p.Ile18783Thr (NM_003319.4); c.56723T>C, p.Ile18908Thr (NM_133432.3); c.56924T>C, p.Ile18975Thr (NM_133437.4); short protein forms I27848T, I25280T, I18975T, I18783T, I18908T, I26207T.
Identifiers: ClinVar variation 47426 (VCV000047426.7), dbSNP rs397517723, ClinGen allele CA140956.
Genomic context (GRCh38, chr2:178,562,589, plus strand): 5'-CCAGGTGGGAGGGGTGGTTCAGACACTTTAACGGGTTCTGTTGTTTCAGCTGGCAAACCA[A>G]TCCCATATTCATTGGAAGCCAAGACTCGGAAGTAGTAAGAACATCCTTCTTGTAGATTTT-3'
Protein context (NP_001254479.2, residues 27838-27858): FRVLASNEYG[Ile27848Thr]GLPAETTEPV

ClinVar aggregate classification (germline): Uncertain significance. Review status: criteria provided, multiple submitters, no conflicts (2 of 4 stars). 2 submissions from 2 submitters: Uncertain significance (2). Last evaluated 2017-12-29.

Conditions:
Dilated cardiomyopathy 1G (CMD1G). Identifiers: Orphanet 154, MedGen C1858763, MONDO:0011400, OMIM 604145.
Autosomal recessive limb-girdle muscular dystrophy type 2J (LGMDR10). Also called: Limb-girdle muscular dystrophy, type 2J; MUSCULAR DYSTROPHY, LIMB-GIRDLE, AUTOSOMAL RECESSIVE 10. Identifiers: Orphanet 140922, MedGen C1837342, MONDO:0012127, OMIM 608807.

Allele frequency attached by ClinVar (database versions not stated): gnomAD exomes below 0.00001 and 0.00001; ExAC 0.00001; TOPMed 0.00003.
gnomAD v4.1: 6 of 1,611,090 alleles (0.00037%); highest among the groups gnomAD compares: Non-Finnish European, 0.00051%; no homozygotes.

Submissions (2):

Labcorp Genetics (formerly Invitae), Labcorp
Classification: Uncertain significance for Dilated cardiomyopathy 1G; Autosomal recessive limb-girdle muscular dystrophy type 2J. Last evaluated: 2017-12-29. Review status: criteria provided, single submitter. Criteria: Invitae Variant Classification Sherloc (09022015). Collection method: clinical testing. Allele origin: germline.

Laboratory for Molecular Medicine, Mass General Brigham Personalized Medicine
Classification: Uncertain significance. Last evaluated: 2013-03-06. Review status: criteria provided, single submitter. Criteria: LMM Criteria. Collection method: clinical testing. Allele origin: germline. Observed: 4 variant alleles.
Comment: However, this var iant did not segregate two affected individuals, one with DCM and one with left anterior hemiblock. This variant has not been identified in large and broad Euro pean American and African American populations by the NHLBI Exome Sequencing Pro ject, though it may be common in other popul ations. Computational analyses (biochemical amino acid properties, conservation, AlignGVGD, PolyPhen2, and SIFT) do not provide strong support for or against an impact to the protein. While the lack of segregation with disease suggests that this variant is not a primary contributor to disease, we cannot rule out a modi fying role. At this time, additional studies are needed to fully assess the clin ical significance of the Ile25280Thr variant.